The following is an entry in ClinVar:

ClinVar aggregate classification (germline): Uncertain significance (1 of 4 stars; one submission).

Conditions:
Long QT syndrome (LQTS). Identifiers: MedGen C0023976, MeSH D008133, MONDO:0002442. Disease mechanism: loss of function. Inheritance: Various modes of inheritance.

Submission:

All of Us Research Program, National Institutes of Health
Classification: Uncertain significance for Long QT syndrome. Last evaluated: 2023-05-04. Review status: criteria provided, single submitter. Criteria: ACMG Guidelines, 2015. Collection method: clinical testing. Allele origin: germline. Inheritance: Autosomal dominant inheritance. Observed: 1 variant allele, 1 heterozygote.
Comment: This variant causes a T to G nucleotide substitution at the -8 position of intron 5 of the KCNQ1 gene. To our knowledge, functional studies have not been reported for this variant. This variant has not been reported in individuals affected with KCNQ1-related disorders in the literature. This variant has not been identified in the general population by the Genome Aggregation Database (gnomAD). The available evidence is insufficient to determine the role of this variant in disease conclusively. Therefore, this variant is classified as a Variant of Uncertain Significance.

This study involves interpretation of variants in research participants for the purpose of population health screening. Participant phenotype was not available at the time of variant classification. Additional details can be found in publication PMID: 35346344, PMCID: PMC8962531

NM_000218.3(KCNQ1):c.781-8T>G

Gene: KCNQ1 (potassium voltage-gated channel subfamily Q member 1; plus strand). Cytogenetic location: 11p15.5.
Variant type: single nucleotide variant.
Coding change: c.781-8T>G on transcript NM_000218.3 (MANE Select); 8 bases into the intron before coding-DNA position 781, T replaced by G.
Molecular consequence: intron variant.
Genome position (GRCh38, 1-based): chr11:2,572,838, T>G. VCF-style: chr11-2572838-T-G. GRCh37 (hg19) VCF-style: chr11-2594068-T-G.
Other names: c.511-8T>G (NM_001406837.1); c.781-8T>G (NM_001406836.1); c.478-10597T>G (NM_001406838.1); c.400-8T>G (NM_181798.2).
Identifiers: ClinVar variation 3070794 (VCV003070794.1), dbSNP rs2493673676, ClinGen allele CA2825001866.